The following is an entry in ClinVar:

NM_002485.5(NBN):c.1865A>G (p.Lys622Arg)

Genes: NBN (nibrin; minus strand), LOC126860438 (MED14-independent group 3 enhancer GRCh37_chr8:90959982-90961181; plus strand). Cytogenetic location: 8q21.3.
Variant type: single nucleotide variant.
Coding change: c.1865A>G on transcript NM_002485.5 (MANE Select); coding-DNA position 1865, A replaced by G.
Protein change: p.Lys622Arg; replaces lysine 622 with arginine.
Molecular consequence: missense variant.
Genome position (GRCh38, 1-based): chr8:89,947,873, T>C on the plus strand (A>G on the coding strand, the complement: NBN is on the minus strand). VCF-style: chr8-89947873-T-C. GRCh37 (hg19) VCF-style: chr8-90960101-T-C.
Other names: c.1619A>G, p.Lys540Arg (NM_001024688.3); c.1865A>G (NM_002485.4); short protein forms K622R, K540R.
Identifiers: ClinVar variation 1374599 (VCV001374599.7), dbSNP rs1381148233, ClinGen allele CA371677282.

ClinVar aggregate classification (germline): Uncertain significance. Review status: criteria provided, multiple submitters, no conflicts (2 of 4 stars). 2 submissions from 2 submitters: Uncertain significance (2). Last evaluated 2024-01-17.

Conditions:
Hereditary cancer-predisposing syndrome. Also called: Hereditary neoplastic syndrome; Hereditary Cancer Syndrome; Neoplastic Syndromes, Hereditary; Tumor predisposition. Identifiers: Orphanet 140162, MedGen C0027672, MeSH D009386, MONDO:0015356.
Microcephaly, normal intelligence and immunodeficiency (NBS). Also called: Nijmegen breakage syndrome; SEEMANOVA SYNDROME II; IMMUNODEFICIENCY, MICROCEPHALY, AND CHROMOSOMAL INSTABILITY; Immunodeficiency, microcephaly with normal intelligence; Ataxia telangiectasia variant V1; Microcephaly with normal intelligence immunodeficiency and lymphoreticular malignancies. Identifiers: Orphanet 647, MedGen C0398791, MONDO:0009623, OMIM 251260.

Allele frequency attached by ClinVar (database versions not stated): gnomAD exomes below 0.00001; gnomAD 0.00001.
gnomAD v4.1: 2 of 1,573,710 alleles (0.00013%); highest among the groups gnomAD compares: Non-Finnish European, 0.00017%; no homozygotes.

Submissions (2):

Ambry Genetics
Classification: Uncertain significance for Hereditary cancer-predisposing syndrome. Last evaluated: 2024-01-17. Review status: criteria provided, single submitter. Criteria: Ambry Variant Classification Scheme 2023. Collection method: clinical testing. Allele origin: germline.
Comment: The p.K622R variant (also known as c.1865A>G), located in coding exon 12 of the NBN gene, results from an A to G substitution at nucleotide position 1865. The lysine at codon 622 is replaced by arginine, an amino acid with highly similar properties. This amino acid position is conserved. In addition, this alteration is predicted to be tolerated by in silico analysis. Based on the available evidence, the clinical significance of this alteration remains unclear.

Labcorp Genetics (formerly Invitae), Labcorp
Classification: Uncertain significance for Microcephaly, normal intelligence and immunodeficiency. Last evaluated: 2022-12-03. Review status: criteria provided, single submitter. Criteria: Invitae Variant Classification Sherloc (09022015). Collection method: clinical testing. Allele origin: germline.
Comment: In summary, the available evidence is currently insufficient to determine the role of this variant in disease. Therefore, it has been classified as a Variant of Uncertain Significance. Algorithms developed to predict the effect of sequence changes on RNA splicing suggest that this variant may disrupt the consensus splice site. Algorithms developed to predict the effect of missense changes on protein structure and function (SIFT, PolyPhen-2, Align-GVGD) all suggest that this variant is likely to be tolerated. ClinVar contains an entry for this variant (Variation ID: 1374599). This variant has not been reported in the literature in individuals affected with NBN-related conditions. The frequency data for this variant in the population databases is considered unreliable, as metrics indicate poor data quality at this position in the gnomAD database. This sequence change replaces lysine, which is basic and polar, with arginine, which is basic and polar, at codon 622 of the NBN protein (p.Lys622Arg).